The following is an entry in ClinVar:

NM_001171.6(ABCC6):c.3925G>A (p.Ala1309Thr)

Gene: ABCC6 (ATP binding cassette subfamily C member 6; minus strand). Cytogenetic location: 16p13.11.
Variant type: single nucleotide variant.
Coding change: c.3925G>A on transcript NM_001171.6 (MANE Select); coding-DNA position 3925, G replaced by A.
Protein change: p.Ala1309Thr; replaces alanine 1309 with threonine.
Molecular consequence: missense variant. On other transcripts: non-coding transcript variant (4).
Genome position (GRCh38, 1-based): chr16:16,154,989, C>T on the plus strand (G>A on the coding strand, the complement: ABCC6 is on the minus strand). VCF-style: chr16-16154989-C-T. GRCh37 (hg19) VCF-style: chr16-16248846-C-T.
Other names: c.3583G>A, p.Ala1195Thr (NM_001351800.1); c.3892G>A, p.Ala1298Thr (NM_001440309.1); c.3757G>A, p.Ala1253Thr (NM_001440310.1); short protein forms A1298T, A1195T, A1309T, A1253T.
Identifiers: ClinVar variation 5005510 (VCV005005510.2).

ClinVar aggregate classification (germline): Uncertain significance (1 of 4 stars; one submission).

Conditions:
Arterial calcification, generalized, of infancy, 2. Identifiers: Orphanet 51608, MedGen C3276161, MONDO:0013768, OMIM 614473.
Pseudoxanthoma elasticum, forme fruste. Also called: Pseudoxanthoma Elasticum, Incomplete; PSEUDOXANTHOMA ELASTICUM, HETEROZYGOUS. Identifiers: Orphanet 758, MedGen C1867450, MONDO:0008333, OMIM 177850.
Autosomal recessive inherited pseudoxanthoma elasticum (PXE). Identifiers: Orphanet 758, MedGen CN032334, MONDO:0009925, OMIM 264800.

Submission:

Juno Genomics, Hangzhou Juno Genomics, Inc
Classification: Uncertain significance for Arterial calcification, generalized, of infancy, 2; Autosomal recessive inherited pseudoxanthoma elasticum; Pseudoxanthoma elasticum, forme fruste. Review status: criteria provided, single submitter. Criteria: ACMG Guidelines, 2015. Collection method: clinical testing. Allele origin: germline.
Comment: Absent from controls (or at extremely low frequency if recessive) in Genome Aggregation Database.;Multiple lines of computational evidence support a deleterious effect on the gene or gene product.